The following is an entry in ClinVar:

ClinVar aggregate classification (germline): Pathogenic/Likely pathogenic. Review status: criteria provided, multiple submitters, no conflicts (2 of 4 stars). 2 submissions from 2 submitters: Pathogenic (1); Likely pathogenic (1). Last evaluated 2022-09-26.

Conditions:
Hereditary hemochromatosis (HFE). Identifiers: MedGen C0392514, MONDO:0006507. Disease mechanism: loss of function.
Hemochromatosis type 3 (HFE3). Also called: TFR2-Related Hemochromatosis; HEMOCHROMATOSIS DUE TO DEFECT IN TRANSFERRIN RECEPTOR 2; Hereditary hemochromatosis type 3. Identifiers: Orphanet 225123, MedGen C1858664, MONDO:0011417, OMIM 604250.

Submissions (2):

Baylor Genetics
Classification: Likely pathogenic for Hemochromatosis type 3. Last evaluated: 2022-09-26. Review status: criteria provided, single submitter. Criteria: ACMG Guidelines, 2015. Collection method: clinical testing. Allele origin: unknown.

Labcorp Genetics (formerly Invitae), Labcorp
Classification: Pathogenic for Hereditary hemochromatosis. Last evaluated: 2019-12-11. Review status: criteria provided, single submitter. Criteria: Invitae Variant Classification Sherloc (09022015). Collection method: clinical testing. Allele origin: germline.
Comment: For these reasons, this variant has been classified as Pathogenic. This variant disrupts the amino acid residue p.Asp680 and downstream protein sequence in TFR2. Other variant(s) that disrupt this region have been determined to be pathogenic (PMID: 16424658, 26029709, 26408288, 23600741). This suggests that this residue is clinically significant, and that variants that disrupt this residue are likely to be disease-causing. This sequence change results in a premature translational stop signal in the TFR2 gene (p.Asp680Glyfs*112). While this is not anticipated to result in nonsense mediated decay, it is expected to disrupt the last 122 amino acids of the TFR2 protein. This variant is not present in population databases (ExAC no frequency). This variant has not been reported in the literature in individuals with TFR2-related conditions.

Literature cited by the submitters: PubMed 16424658 (cited by Labcorp Genetics (formerly Invitae), Labcorp); PubMed 26029709 (cited by Labcorp Genetics (formerly Invitae), Labcorp); PubMed 26408288 (cited by Labcorp Genetics (formerly Invitae), Labcorp); PubMed 23600741 (cited by Labcorp Genetics (formerly Invitae), Labcorp).

NM_003227.4(TFR2):c.2038dup (p.Asp680fs)

Genes: TFR2 (transferrin receptor 2; minus strand), LOC113687175 (Sharpr-MPRA regulatory region 4647; plus strand). Cytogenetic location: 7q22.1.
Variant type: Duplication.
Coding change: c.2038dup on transcript NM_003227.4 (MANE Select); coding-DNA position 2038, one base duplicated (G; older notation c.2038dupG).
Protein change: p.Asp680fs; shifts the reading frame from aspartic acid 680.
Molecular consequence: frameshift variant.
Genome position (GRCh38, 1-based): chr7:100,626,861, C duplicated on the plus strand (G on the coding strand, the reverse complement: TFR2 is on the minus strand); the first of 6 consecutive C bases (chr7:100,626,861-100,626,866); duplicating any one gives the same sequence. VCF-style (leftmost placement, unchanged base first): chr7-100626860-T-TC. GRCh37 (hg19) VCF-style: chr7-100224483-T-TC.
Other names: c.1525dup, p.Asp509fs (NM_001206855.3); short protein forms D509fs, D680fs.
Identifiers: ClinVar variation 854136 (VCV000854136.11), dbSNP rs1562837669, ClinGen allele CA576450467.
Genomic context (GRCh38, chr7:100,626,860, plus strand): 5'-TCGTCTCTCTCCTCCGAGCTGTAGATCTCCTGCCGCAGCTTTTCCGCCGCCCGGATGTAG[T>TC]CCCCCCGCGCCGAGTACACCCACTGCAGGGTCAGCCCGCGGGCCTGGGGTGGGGAGGCGC-3'